The following is an entry in ClinVar:

NM_020843.4(SCAPER):c.3418G>A (p.Ala1140Thr)

Gene: SCAPER (S-phase cyclin A associated protein in the ER; minus strand). Cytogenetic location: 15q24.3.
Variant type: single nucleotide variant.
Coding change: c.3418G>A on transcript NM_020843.4 (MANE Select); coding-DNA position 3418, G replaced by A.
Protein change: p.Ala1140Thr; replaces alanine 1140 with threonine.
Molecular consequence: missense variant. On other transcripts: non-coding transcript variant (1).
Genome position (GRCh38, 1-based): chr15:76,404,573, C>T on the plus strand (G>A on the coding strand, the complement: SCAPER is on the minus strand). VCF-style: chr15-76404573-C-T. GRCh37 (hg19) VCF-style: chr15-76696914-C-T.
Other names: c.2680G>A, p.Ala894Thr (NM_001145923.2); c.3436G>A, p.Ala1146Thr (NM_001353009.2); c.3016G>A, p.Ala1006Thr (NM_001353010.2, NM_001353012.2); c.3034G>A, p.Ala1012Thr (NM_001353011.2); c.3436G>A (NM_001353009.1); short protein forms A894T, A1006T, A1012T, A1140T, A1146T.
Identifiers: ClinVar variation 776934 (VCV000776934.7), dbSNP rs3743176, ClinGen allele CA7674443.

ClinVar aggregate classification (germline): Benign. Review status: criteria provided, multiple submitters, no conflicts (2 of 4 stars). 3 submissions from 3 submitters: Benign (2). 1 of the submissions does not count toward it. Last evaluated 2019-12-31.

Conditions:
SCAPER-related disorder. Also called: SCAPER-related condition.

Allele frequency attached by ClinVar (database versions not stated): gnomAD exomes 0.00216; ExAC 0.00249; gnomAD 0.00746; 1000 Genomes Project 0.00799; 1000 Genomes Project 30x 0.00828; ESP Exome Variant Server 0.00839; TOPMed 0.00928.
gnomAD v4.1: 2,534 of 1,613,460 alleles (0.16%); highest among the groups gnomAD compares: African/African-American, 2.7%; 38 homozygotes.

Submissions (3):

Labcorp Genetics (formerly Invitae), Labcorp
Classification: Benign. Last evaluated: 2019-12-31. Review status: criteria provided, single submitter. Criteria: Invitae Variant Classification Sherloc (09022015). Collection method: clinical testing. Allele origin: germline.

Breakthrough Genomics
Classification: Benign. Review status: criteria provided, single submitter. Criteria: ACMG Guidelines, 2015. Collection method: not provided. Allele origin: germline. Inheritance: Autosomal recessive inheritance. Affected: yes.

PreventionGenetics, part of Exact Sciences
Classification: Benign for SCAPER-related condition. Last evaluated: 2024-07-16. Review status: no assertion criteria provided. Collection method: clinical testing. Allele origin: germline. Not counted in ClinVar's aggregate classification.
Comment: This variant is classified as benign based on ACMG/AMP sequence variant interpretation guidelines (Richards et al. 2015 PMID: 25741868, with internal and published modifications).